The following is an entry in ClinVar:

NM_000346.4(SOX9):c.769C>G (p.Arg257Gly)

Gene: SOX9 (SRY-box transcription factor 9; plus strand). Cytogenetic location: 17q24.3.
Variant type: single nucleotide variant.
Coding change: c.769C>G on transcript NM_000346.4 (MANE Select); coding-DNA position 769, C replaced by G.
Protein change: p.Arg257Gly; replaces arginine 257 with glycine.
Molecular consequence: missense variant.
Genome position (GRCh38, 1-based): chr17:72,123,626, C>G. VCF-style: chr17-72123626-C-G. GRCh37 (hg19) VCF-style: chr17-70119767-C-G.
Other names: short protein forms R257G.
Identifiers: ClinVar variation 4739445 (VCV004739445.1).

ClinVar aggregate classification (germline): Uncertain significance (1 of 4 stars; one submission).

Conditions:
Camptomelic dysplasia (CMPD). Also called: Campomelic Dysplasia; CMPD1/SRA1. Identifiers: Orphanet 140, MedGen C1861922, MONDO:0007251, OMIM 114290.

Submission:

Labcorp Genetics (formerly Invitae), Labcorp
Classification: Uncertain significance for Camptomelic dysplasia. Last evaluated: 2025-07-16. Review status: criteria provided, single submitter. Criteria: Invitae Variant Classification Sherloc (09022015). Collection method: clinical testing. Allele origin: germline.
Comment: This sequence change replaces arginine, which is basic and polar, with glycine, which is neutral and non-polar, at codon 257 of the SOX9 protein (p.Arg257Gly). This variant is not present in population databases (gnomAD no frequency). This variant has not been reported in the literature in individuals affected with SOX9-related conditions. Invitae Evidence Modeling of protein sequence and biophysical properties (such as structural, functional, and spatial information, amino acid conservation, physicochemical variation, residue mobility, and thermodynamic stability) indicates that this missense variant is not expected to disrupt SOX9 protein function with a negative predictive value of 95%. In summary, the available evidence is currently insufficient to determine the role of this variant in disease. Therefore, it has been classified as a Variant of Uncertain Significance.